The following is an entry in ClinVar:

ClinVar aggregate classification (germline): Likely pathogenic (1 of 4 stars; one submission).

Conditions:
Hereditary cancer-predisposing syndrome. Also called: Tumor predisposition; Neoplastic Syndromes, Hereditary; Hereditary Cancer Syndrome; Hereditary neoplastic syndrome. Identifiers: Orphanet 140162, MedGen C0027672, MeSH D009386, MONDO:0015356.

Submission:

Ambry Genetics
Classification: Likely pathogenic for Hereditary cancer-predisposing syndrome. Last evaluated: 2024-07-03. Review status: criteria provided, single submitter. Criteria: Ambry Variant Classification Scheme 2023. Collection method: clinical testing. Allele origin: germline.
Comment: The p.V156I variant (also known as c.466G>A), located in coding exon 4 of the FH gene, results from a G to A substitution at nucleotide position 466. The valine at codon 156 is replaced by isoleucine, an amino acid with highly similar properties. This variant been observed in multiple individuals with features consistent with hereditary leiomyomatosis and renal cell cancer (Ambry internal data; Zheng L et al. J Clin Invest, 2023 Jun;133:). In a functional study performed in murine cell lines, this variant had reduced enzymatic activity and resulted in higher migratory capacity compared to wild-type (Zheng L et al. J Clin Invest, 2023 Jun;133:). This amino acid position is highly conserved in available vertebrate species. In addition, this alteration is predicted to be deleterious by in silico analysis. Based on the majority of available evidence to date, this variant is likely to be pathogenic.

Literature cited by the submitters: PubMed 37053010.

NM_000143.4(FH):c.466G>A (p.Val156Ile)

Gene: FH (fumarate hydratase; minus strand). Cytogenetic location: 1q43.
Variant type: single nucleotide variant.
Coding change: c.466G>A on transcript NM_000143.4 (MANE Select); coding-DNA position 466, G replaced by A.
Protein change: p.Val156Ile; replaces valine 156 with isoleucine.
Molecular consequence: missense variant.
Genome position (GRCh38, 1-based): chr1:241,512,056, C>T on the plus strand (G>A on the coding strand, the complement: FH is on the minus strand). VCF-style: chr1-241512056-C-T. GRCh37 (hg19) VCF-style: chr1-241675356-C-T.
Other names: short protein forms V156I.
Identifiers: ClinVar variation 3515078 (VCV003515078.1).
Genomic context (GRCh38, chr1:241,512,056, plus strand): 5'-GCACAGGTATCTTGCTGCCAAGTTCACCTCCTAACATTTCAATTGCTCTATTGCTAATGA[C>T]TTCATTTACATTCATATTTGTCTGAGTTCCTGATCCAGTCTGCCATACCACGAGAGGAAA-3'
Protein context (NP_000134.2, residues 146-166): GTQTNMNVNE[Val156Ile]ISNRAIEMLG